The following is an entry in ClinVar:

NM_001081637.3(LILRB1):c.425= (p.Thr142=)

Gene: LILRB1 (leukocyte immunoglobulin like receptor B1; plus strand). Cytogenetic location: 19q13.42.
Variant type: single nucleotide variant.
Coding change: c.425= on transcript NM_001081637.3 (MANE Select); coding-DNA position 425, no change from the reference sequence.
Protein change: p.Thr142=; no amino-acid change (threonine 142 retained).
Molecular consequence: no sequence alteration. On other transcripts: non-coding transcript variant (1).
Genome position: GRCh38 VCF-style: chr19-54632001-C-C. GRCh37 (hg19) VCF-style: chr19-55143452-T-C.
Other names: c.425=, p.Thr142= (NM_001081638.4, NM_001081639.4, NM_001278398.2 and 6 more transcripts).
Identifiers: ClinVar variation 1242843 (VCV001242843.3), dbSNP rs1061680.

ClinVar aggregate classification (germline): Benign. Review status: criteria provided, multiple submitters, no conflicts (2 of 4 stars). 2 submissions from 2 submitters: Benign (2). Last evaluated 2021-02-24.

Allele frequency attached by ClinVar (database versions not stated): 1000 Genomes Project 30x 0.60119.

Submissions (2):

GeneDx
Classification: Benign. Last evaluated: 2021-02-24. Review status: criteria provided, single submitter. Criteria: GeneDx Variant Classification Process June 2021. Collection method: clinical testing. Allele origin: germline. Affected: yes.
Comment: This variant is associated with the following publications: (PMID: 28987961)

Breakthrough Genomics
Classification: Benign. Review status: criteria provided, single submitter. Criteria: ACMG Guidelines, 2015. Collection method: not provided. Allele origin: germline. Inheritance: Unknown mechanism. Affected: yes.